The following is an entry in ClinVar:

ClinVar aggregate classification (germline): Uncertain significance (1 of 4 stars; one submission).

Conditions:
Glycogen storage disease IXd (GSD9D). Also called: Muscle Phosphorylase Kinase Deficiency; GSD IXd. Identifiers: Orphanet 715, MedGen C1845151, MONDO:0010362, OMIM 300559.

Allele frequency attached by ClinVar (database versions not stated): gnomAD 0.00004; TOPMed 0.00005.
gnomAD v4.1: 4 of 1,207,905 alleles (0.00033%); highest among the groups gnomAD compares: African/African-American, 0.007%; no homozygotes.

Submission:

Labcorp Genetics (formerly Invitae), Labcorp
Classification: Uncertain significance for Glycogen storage disease IXd. Last evaluated: 2024-08-12. Review status: criteria provided, single submitter. Criteria: Invitae Variant Classification Sherloc (09022015). Collection method: clinical testing. Allele origin: germline.
Comment: This sequence change replaces phenylalanine, which is neutral and non-polar, with leucine, which is neutral and non-polar, at codon 607 of the PHKA1 protein (p.Phe607Leu). This variant is not present in population databases (gnomAD no frequency). This variant has not been reported in the literature in individuals affected with PHKA1-related conditions. ClinVar contains an entry for this variant (Variation ID: 1919862). Advanced modeling of protein sequence and biophysical properties (such as structural, functional, and spatial information, amino acid conservation, physicochemical variation, residue mobility, and thermodynamic stability) performed at Invitae indicates that this missense variant is not expected to disrupt PHKA1 protein function with a negative predictive value of 80%. In summary, the available evidence is currently insufficient to determine the role of this variant in disease. Therefore, it has been classified as a Variant of Uncertain Significance.

NM_002637.4(PHKA1):c.1819T>C (p.Phe607Leu)

Gene: PHKA1 (phosphorylase kinase regulatory subunit alpha 1; minus strand). Cytogenetic location: Xq13.1.
Variant type: single nucleotide variant.
Coding change: c.1819T>C on transcript NM_002637.4 (MANE Select); coding-DNA position 1819, T replaced by C.
Protein change: p.Phe607Leu; replaces phenylalanine 607 with leucine.
Molecular consequence: missense variant.
Genome position (GRCh38, 1-based): chrX:72,623,250, A>G on the plus strand (T>C on the coding strand, the complement: PHKA1 is on the minus strand). VCF-style: chrX-72623250-A-G. GRCh37 (hg19) VCF-style: chrX-71843100-A-G.
Other names: c.1819T>C, p.Phe607Leu (NM_001122670.2, NM_001172436.2); short protein forms F607L.
Identifiers: ClinVar variation 1919862 (VCV001919862.5), dbSNP rs1260275808, ClinGen allele CA413591618.